The following is an entry in ClinVar:

ClinVar aggregate classification (germline): Uncertain significance (1 of 4 stars; one submission).

Conditions:
Amyotrophic lateral sclerosis type 1 (ALS1). Also called: AMYOTROPHIC LATERAL SCLEROSIS 1, FAMILIAL. Identifiers: Orphanet 803, MedGen C1862939, MONDO:0007103, OMIM 105400.
Perry syndrome. Also called: PARKINSONISM WITH ALVEOLAR HYPOVENTILATION AND MENTAL DEPRESSION. Identifiers: Orphanet 178509, MedGen C1868594, MONDO:0008201, OMIM 168605.
Neuronopathy, distal hereditary motor, type 7B. Also called: NEUROPATHY, DISTAL HEREDITARY MOTOR, WITH VOCAL CORD PARALYSIS, HARDING TYPE VIIB; Distal Hereditary Motor Neuronopathy Type 7B (dHMN7B); LOWER MOTOR NEURON DISEASE, DYNACTIN TYPE; HMN VIIB; NEURONOPATHY, DISTAL HEREDITARY MOTOR, AUTOSOMAL DOMINANT 14; NEURONOPATHY, DISTAL HEREDITARY MOTOR, HARDING TYPE VIIB. Identifiers: Orphanet 139589, MedGen C1843315, MONDO:0011879, OMIM 607641.

Submission:

Labcorp Genetics (formerly Invitae), Labcorp
Classification: Uncertain significance for Amyotrophic lateral sclerosis type 1; Neuronopathy, distal hereditary motor, type 7B; Perry syndrome. Last evaluated: 2021-02-22. Review status: criteria provided, single submitter. Criteria: Invitae Variant Classification Sherloc (09022015). Collection method: clinical testing. Allele origin: germline.
Comment: This sequence change affects an acceptor splice site in intron 29 of the DCTN1 gene. It is expected to disrupt RNA splicing. Variants that disrupt the donor or acceptor splice site typically lead to a loss of protein function (PMID: 16199547), however the current clinical and genetic evidence is not sufficient to establish whether loss-of-function variants in DCTN1 cause disease. This variant is not present in population databases (ExAC no frequency). This variant has not been reported in the literature in individuals with DCTN1-related conditions. Algorithms developed to predict the effect of sequence changes on RNA splicing suggest that this variant may disrupt the consensus splice site, but this prediction has not been confirmed by published transcriptional studies. In summary, the available evidence is currently insufficient to determine the role of this variant in disease. Therefore, it has been classified as a Variant of Uncertain Significance.

Literature cited by the submitters: PubMed 16199547.

NM_004082.5(DCTN1):c.3530-1G>A

Gene: DCTN1 (dynactin subunit 1; minus strand). Cytogenetic location: 2p13.1.
Variant type: single nucleotide variant.
Coding change: c.3530-1G>A on transcript NM_004082.5 (MANE Select); the canonical splice acceptor site of the intron before coding-DNA position 3530, G replaced by A.
Molecular consequence: splice acceptor variant.
Genome position (GRCh38, 1-based): chr2:74,362,730, C>T on the plus strand (G>A on the coding strand, the complement: DCTN1 is on the minus strand). VCF-style: chr2-74362730-C-T. GRCh37 (hg19) VCF-style: chr2-74589857-C-T.
Other names: c.3404-1G>A (NM_001190836.2); c.3461-1G>A (NM_001378992.1); c.3479-1G>A (NM_001378991.1); c.3455-1G>A (NM_001135040.3); c.3509-1G>A (NM_001190837.2); c.3113-1G>A (NM_001135041.3); c.3128-1G>A (NM_023019.4).
Identifiers: ClinVar variation 1375194 (VCV001375194.8), dbSNP rs2104393432, ClinGen allele CA347336999.